The following is an entry in ClinVar:

ClinVar aggregate classification (germline): Uncertain significance (1 of 4 stars; one submission).

Conditions:
Mosaic variegated aneuploidy syndrome 1 (MVA1). Also called: Warburton-Anyane-Yeboa syndrome. Identifiers: Orphanet 1052, MedGen C1850343, MONDO:0009759, OMIM 257300.

gnomAD v4.1: 4 of 1,613,314 alleles (0.00025%); highest among the groups gnomAD compares: East Asian, 0.0022%; no homozygotes.

Submission:

Labcorp Genetics (formerly Invitae), Labcorp
Classification: Uncertain significance for Mosaic variegated aneuploidy syndrome 1. Last evaluated: 2024-02-27. Review status: criteria provided, single submitter. Criteria: Invitae Variant Classification Sherloc (09022015). Collection method: clinical testing. Allele origin: germline.
Comment: This sequence change replaces cysteine, which is neutral and slightly polar, with serine, which is neutral and polar, at codon 356 of the BUB1B protein (p.Cys356Ser). This variant is present in population databases (rs370655726, gnomAD 0.006%). This variant has not been reported in the literature in individuals affected with BUB1B-related conditions. An algorithm developed to predict the effect of missense changes on protein structure and function (PolyPhen-2) suggests that this variant is likely to be disruptive. In summary, the available evidence is currently insufficient to determine the role of this variant in disease. Therefore, it has been classified as a Variant of Uncertain Significance.

NM_001211.6(BUB1B):c.1066T>A (p.Cys356Ser)

Gene: BUB1B (BUB1 mitotic checkpoint serine/threonine kinase B; plus strand). Cytogenetic location: 15q15.1.
Variant type: single nucleotide variant.
Coding change: c.1066T>A on transcript NM_001211.6 (MANE Select); coding-DNA position 1066, T replaced by A.
Protein change: p.Cys356Ser; replaces cysteine 356 with serine.
Molecular consequence: missense variant.
Genome position (GRCh38, 1-based): chr15:40,196,552, T>A. VCF-style: chr15-40196552-T-A. GRCh37 (hg19) VCF-style: chr15-40488753-T-A.
Other names: short protein forms C356S.
Identifiers: ClinVar variation 3665374 (VCV003665374.2).